The following is an entry in ClinVar:

NM_001001331.4(ATP2B2):c.3330C>T (p.Asn1110=)

Gene: ATP2B2 (ATPase plasma membrane Ca2+ transporting 2; minus strand). Cytogenetic location: 3p25.3.
Variant type: single nucleotide variant.
Coding change: c.3330C>T on transcript NM_001001331.4 (MANE Select); coding-DNA position 3330, C replaced by T.
Protein change: p.Asn1110=; no amino-acid change (asparagine 1110 retained).
Molecular consequence: synonymous variant.
Genome position (GRCh38, 1-based): chr3:10,338,266, G>A on the plus strand (C>T on the coding strand, the complement: ATP2B2 is on the minus strand). VCF-style: chr3-10338266-G-A. GRCh37 (hg19) VCF-style: chr3-10379950-G-A.
Other names: c.3195C>T, p.Asn1065= (NM_001330611.3, NM_001353564.1, NM_001363862.1 and 1 more transcripts).
Identifiers: ClinVar variation 785031 (VCV000785031.18), dbSNP rs62640384, ClinGen allele CA2253129.

ClinVar aggregate classification (germline): Benign/Likely benign. Review status: criteria provided, multiple submitters, no conflicts (2 of 4 stars). 4 submissions from 4 submitters: Benign (2); Likely benign (2). Last evaluated 2026-06-01.

Allele frequency attached by ClinVar (database versions not stated): gnomAD exomes 0.00094; ExAC 0.00109; 1000 Genomes Project 30x 0.00359; gnomAD 0.00367 and 0.00397; 1000 Genomes Project 0.00399; ESP Exome Variant Server 0.00408; TOPMed 0.00420.
gnomAD v4.1: 1,086 of 1,614,112 alleles (0.067%); highest among the groups gnomAD compares: African/African-American, 1.3%; 3 homozygotes.

Submissions (4):

CeGaT Center for Human Genetics Tuebingen
Classification: Likely benign. Last evaluated: 2026-06-01. Review status: criteria provided, single submitter. Criteria: CeGaT Center For Human Genetics Tuebingen Variant Classification Criteria Version 2. Collection method: clinical testing. Allele origin: germline. Affected: yes. Observed: 2 variant alleles.
Comment: ATP2B2: BP4, BP7, BS1

Labcorp Genetics (formerly Invitae), Labcorp
Classification: Benign. Last evaluated: 2025-10-24. Review status: criteria provided, single submitter. Criteria: Invitae Variant Classification Sherloc (09022015). Collection method: clinical testing. Allele origin: germline.

Blueprint Genetics
Classification: Likely benign. Last evaluated: 2024-10-10. Review status: criteria provided, single submitter. Criteria: ACMG Guidelines, 2015. Collection method: clinical testing. Allele origin: germline.

Breakthrough Genomics
Classification: Benign. Review status: criteria provided, single submitter. Criteria: ACMG Guidelines, 2015. Collection method: not provided. Allele origin: germline. Inheritance: Autosomal recessive inheritance. Affected: yes.